The following is an entry in ClinVar:

NM_005718.5(ARPC4):c.3+17C>A

Genes: ARPC4 (actin related protein 2/3 complex subunit 4; plus strand), ARPC4-TTLL3 (ARPC4-TTLL3 readthrough; plus strand). Cytogenetic location: 3p25.3.
Variant type: single nucleotide variant.
Coding change: c.3+17C>A on transcript NM_005718.5 (MANE Select); 17 bases into the intron after coding-DNA position 3, C replaced by A.
Molecular consequence: intron variant. On other transcripts: missense variant (1).
Genome position (GRCh38, 1-based): chr3:9,793,141, C>A. VCF-style: chr3-9793141-C-A. GRCh37 (hg19) VCF-style: chr3-9834825-C-A.
Other names: c.20C>A, p.Pro7His (NM_001198780.3); c.-268+436C>A (NM_001024959.3); c.-268+581C>A (NM_001024960.3); c.3+17C>A (NM_001198793.1); short protein forms P7H.
Identifiers: ClinVar variation 4839267 (VCV004839267.1).
Genomic context (GRCh38, chr3:9,793,141, plus strand): 5'-CACTTCCGTACTTCCGCTTTCCGGCCCAGCCAGCGCCCGCGATGGTGAGAGAGCCGGGCC[C>A]CCGGCCAGGGACCCCCGGCTGTTCGGCCTCAGGGCAGTGGGTCGGTGGGAGATGTGGCTT-3'

ClinVar aggregate classification (germline): Uncertain significance (1 of 4 stars; one submission).

Conditions:
Inborn genetic diseases. Identifiers: MedGen C0950123, MeSH D030342.

gnomAD v4.1: 11 of 1,541,142 alleles (0.00071%); highest among the groups gnomAD compares: South Asian, 0.0024%; no homozygotes.

Submission:

Ambry Genetics
Classification: Uncertain significance for Inborn genetic diseases. Last evaluated: 2026-01-14. Review status: criteria provided, single submitter. Criteria: Ambry Variant Classification Scheme 2023. Collection method: clinical testing. Allele origin: germline.
Comment: The c.20C>A (p.P7H) alteration is located in exon 1 (coding exon 1) of the ARPC4 gene. This alteration results from a C to A substitution at nucleotide position 20, causing the proline (P) at amino acid position 7 to be replaced by a histidine (H). Based on data from gnomAD, the A allele has an overall frequency of 0.001% (1/143362) total alleles studied. The highest observed frequency was 0.004% (1/22472) of South Asian alleles. Based on insufficient or conflicting evidence, the clinical significance of this alteration remains unclear.